The following is an entry in ClinVar:

NM_001040142.2(SCN2A):c.2352G>A (p.Thr784=)

Gene: SCN2A (sodium voltage-gated channel alpha subunit 2; plus strand). Cytogenetic location: 2q24.3.
Variant type: single nucleotide variant.
Coding change: c.2352G>A on transcript NM_001040142.2 (MANE Select); coding-DNA position 2352, G replaced by A.
Protein change: p.Thr784=; no amino-acid change (threonine 784 retained).
Molecular consequence: synonymous variant.
Genome position (GRCh38, 1-based): chr2:165,331,532, G>A. VCF-style: chr2-165331532-G-A. GRCh37 (hg19) VCF-style: chr2-166188042-G-A.
Other names: c.2352G>A, p.Thr784= (NM_001040143.2, NM_001371246.1, NM_001371247.1 and 1 more transcripts).
Identifiers: ClinVar variation 378526 (VCV000378526.10), dbSNP rs369101059, ClinGen allele CA16603910.

ClinVar aggregate classification (germline): Likely benign. Review status: criteria provided, multiple submitters, no conflicts (2 of 4 stars). 2 submissions from 2 submitters: Likely benign (2). Last evaluated 2024-04-25.

Conditions:
Seizures, benign familial infantile, 3 (BFIS3). Also called: Familial neonatal seizures; CONVULSIONS, BENIGN FAMILIAL INFANTILE, 3. Identifiers: Orphanet 140927, Orphanet 306, MedGen C1843140, MONDO:0011904, OMIM 607745.
Developmental and epileptic encephalopathy, 11 (DEE11). Also called: Early infantile epileptic encephalopathy 11. Identifiers: Orphanet 1934, MedGen C3150987, MONDO:0013388, OMIM 613721.

Allele frequency attached by ClinVar (database versions not stated): gnomAD exomes below 0.00001; TOPMed 0.00001.

Submissions (2):

Labcorp Genetics (formerly Invitae), Labcorp
Classification: Likely benign for Seizures, benign familial infantile, 3; Developmental and epileptic encephalopathy, 11. Last evaluated: 2024-04-25. Review status: criteria provided, single submitter. Criteria: Invitae Variant Classification Sherloc (09022015). Collection method: clinical testing. Allele origin: germline.

GeneDx
Classification: Likely benign. Last evaluated: 2018-01-31. Review status: criteria provided, single submitter. Criteria: GeneDx Variant Classification (06012015). Collection method: clinical testing. Allele origin: germline. Affected: yes.
Comment: This variant is considered likely benign or benign based on one or more of the following criteria: it is a conservative change, it occurs at a poorly conserved position in the protein, it is predicted to be benign by multiple in silico algorithms, and/or has population frequency not consistent with disease.